The following is an entry in ClinVar:

ClinVar aggregate classification (germline): Uncertain significance. Review status: criteria provided, multiple submitters, no conflicts (2 of 4 stars). 2 submissions from 2 submitters: Uncertain significance (2). Last evaluated 2026-07-07.

Conditions:
Hereditary cancer-predisposing syndrome. Also called: Hereditary Cancer Syndrome; Hereditary neoplastic syndrome; Neoplastic Syndromes, Hereditary; Tumor predisposition. Identifiers: Orphanet 140162, MedGen C0027672, MeSH D009386, MONDO:0015356.
Hereditary nonpolyposis colorectal neoplasms. Identifiers: MedGen C0009405, MeSH D003123.

gnomAD v4.1: 1 of 1,574,772 alleles (0.000064%); highest among the groups gnomAD compares: Non-Finnish European, 0.000086%; no homozygotes.

Submissions (2):

Ambry Genetics
Classification: Uncertain significance for Hereditary cancer-predisposing syndrome. Last evaluated: 2026-07-07. Review status: criteria provided, single submitter. Criteria: Ambry Variant Classification Scheme 2023. Collection method: clinical testing. Allele origin: germline.
Comment: The p.T986N variant (also known as c.2957C>A), located in coding exon 4 of the MSH6 gene, results from a C to A substitution at nucleotide position 2957. The threonine at codon 986 is replaced by asparagine, an amino acid with similar properties. This amino acid position is conserved. In addition, this alteration is predicted to be tolerated by in silico analysis. Based on the available evidence, the clinical significance of this variant remains unclear.

Labcorp Genetics (formerly Invitae), Labcorp
Classification: Uncertain significance for Hereditary nonpolyposis colorectal neoplasms. Last evaluated: 2025-07-14. Review status: criteria provided, single submitter. Criteria: Invitae Variant Classification Sherloc (09022015). Collection method: clinical testing. Allele origin: germline.
Comment: This sequence change replaces threonine, which is neutral and polar, with asparagine, which is neutral and polar, at codon 986 of the MSH6 protein (p.Thr986Asn). This variant is not present in population databases (gnomAD no frequency). This variant has not been reported in the literature in individuals affected with MSH6-related conditions. ClinVar contains an entry for this variant (Variation ID: 2863252). Invitae Evidence Modeling of protein sequence and biophysical properties (such as structural, functional, and spatial information, amino acid conservation, physicochemical variation, residue mobility, and thermodynamic stability) indicates that this missense variant is not expected to disrupt MSH6 protein function with a negative predictive value of 95%. In summary, the available evidence is currently insufficient to determine the role of this variant in disease. Therefore, it has been classified as a Variant of Uncertain Significance.

NM_000179.3(MSH6):c.2957C>A (p.Thr986Asn)

Gene: MSH6 (mutS homolog 6; plus strand). Cytogenetic location: 2p16.3.
Variant type: single nucleotide variant.
Coding change: c.2957C>A on transcript NM_000179.3 (MANE Select); coding-DNA position 2957, C replaced by A.
Protein change: p.Thr986Asn; replaces threonine 986 with asparagine.
Molecular consequence: missense variant. On other transcripts: non-coding transcript variant (5), intron variant (2).
Genome position (GRCh38, 1-based): chr2:47,800,940, C>A. VCF-style: chr2-47800940-C-A. GRCh37 (hg19) VCF-style: chr2-48028079-C-A.
Other names: c.2567C>A, p.Thr856Asn (NM_001281492.2); c.2051C>A, p.Thr684Asn (NM_001281493.2, NM_001281494.2, NM_001406823.1 and 6 more transcripts); c.3053C>A, p.Thr1018Asn (NM_001406795.1, NM_001406802.1); c.2957C>A, p.Thr986Asn (NM_001406796.1, NM_001406798.1, NM_001406800.1 and 2 more transcripts); c.2660C>A, p.Thr887Asn (NM_001406797.1, NM_001406801.1, NM_001406805.1 and 10 more transcripts); c.2432C>A, p.Thr811Asn (NM_001406799.1, NM_001406806.1, NM_001406807.1); c.2879C>A, p.Thr960Asn (NM_001406804.1); c.2789C>A, p.Thr930Asn (NM_001406826.1); and 4 more; short protein forms T684N, T988N, T1018N, T301N, T856N, T930N, T960N, T887N.
Identifiers: ClinVar variation 2863252 (VCV002863252.4), dbSNP rs1558667371, ClinGen allele CA346756260.